The following is an entry in ClinVar:

ClinVar aggregate classification (germline): Likely benign (1 of 4 stars; one submission).

Allele frequency attached by ClinVar (database versions not stated): gnomAD exomes 0.00149; gnomAD 0.01509 and 0.01589.

Submission:

GeneDx
Classification: Likely benign. Last evaluated: 2018-06-19. Review status: criteria provided, single submitter. Criteria: GeneDx Variant Classification (06012015). Collection method: clinical testing. Allele origin: germline. Affected: yes.
Comment: This variant is considered likely benign or benign based on one or more of the following criteria: it is a conservative change, it occurs at a poorly conserved position in the protein, it is predicted to be benign by multiple in silico algorithms, and/or has population frequency not consistent with disease.

NM_001848.3(COL6A1):c.1814-67_1814-66insG

Gene: COL6A1 (collagen type VI alpha 1 chain; plus strand). Cytogenetic location: 21q22.3.
Variant type: Insertion.
Coding change: c.1814-67_1814-66insG on transcript NM_001848.3 (MANE Select); 67 bases into the intron before coding-DNA position 1814 through 66 bases into the intron before coding-DNA position 1814, G inserted.
Molecular consequence: intron variant.
Genome position: GRCh38 VCF-style: chr21-46000692-A-AG. GRCh37 (hg19) VCF-style: chr21-47420606-A-AG.
Identifiers: ClinVar variation 679189 (VCV000679189.1), dbSNP rs145985004, ClinGen allele CA321974858.